The following is an entry in ClinVar:

NM_004035.7(ACOX1):c.1481T>G (p.Leu494Ter)

Gene: ACOX1 (acyl-CoA oxidase 1; minus strand). Cytogenetic location: 17q25.1.
Variant type: single nucleotide variant.
Coding change: c.1481T>G on transcript NM_004035.7 (MANE Select); coding-DNA position 1481, T replaced by G.
Protein change: p.Leu494Ter; replaces leucine 494 with a stop codon.
Molecular consequence: nonsense.
Genome position (GRCh38, 1-based): chr17:75,949,598, A>C on the plus strand (T>G on the coding strand, the complement: ACOX1 is on the minus strand). VCF-style: chr17-75949598-A-C. GRCh37 (hg19) VCF-style: chr17-73945679-A-C.
Other names: c.1367T>G, p.Leu456Ter (NM_001185039.2); c.1481T>G, p.Leu494Ter (NM_007292.6); short protein forms L456*, L494*.
Identifiers: ClinVar variation 4085136 (VCV004085136.8).

ClinVar aggregate classification (germline): Pathogenic (1 of 4 stars; one submission).

gnomAD v4.1: 2 of 1,614,086 alleles (0.00012%); highest among the groups gnomAD compares: Non-Finnish European, 0.00017%; no homozygotes.

Submission:

CeGaT Center for Human Genetics Tuebingen
Classification: Pathogenic. Last evaluated: 2025-06-01. Review status: criteria provided, single submitter. Criteria: CeGaT Center For Human Genetics Tuebingen Variant Classification Criteria Version 2. Collection method: clinical testing. Allele origin: germline. Affected: yes. Observed: 1 variant allele.
Comment: ACOX1: PVS1, PM2